The following is an entry in ClinVar:

NM_001379200.1(TBX1):c.1126C>T (p.Arg376Trp)

Gene: TBX1 (T-box transcription factor 1; plus strand). Cytogenetic location: 22q11.21.
Variant type: single nucleotide variant.
Coding change: c.1126C>T on transcript NM_001379200.1 (MANE Select); coding-DNA position 1126, C replaced by T.
Protein change: p.Arg376Trp; replaces arginine 376 with tryptophan.
Molecular consequence: missense variant. On other transcripts: intron variant (2).
Genome position (GRCh38, 1-based): chr22:19,766,478, C>T. VCF-style: chr22-19766478-C-T. GRCh37 (hg19) VCF-style: chr22-19754001-C-T.
Other names: c.1099C>T, p.Arg367Trp (NM_080647.1); c.1009+476C>T (NM_005992.1, NM_080646.2); short protein forms R367W, R376W.
Identifiers: ClinVar variation 3324837 (VCV003324837.1).

ClinVar aggregate classification (germline): Uncertain significance (1 of 4 stars; one submission).

Conditions:
Cardiovascular phenotype. Identifiers: MedGen CN230736.

Submission:

Ambry Genetics
Classification: Uncertain significance for Cardiovascular phenotype. Last evaluated: 2024-05-21. Review status: criteria provided, single submitter. Criteria: Ambry Variant Classification Scheme 2023. Collection method: clinical testing. Allele origin: germline.
Comment: The p.R367W variant (also known as c.1099C>T), located in coding exon 8 of the TBX1 gene, results from a C to T substitution at nucleotide position 1099. The arginine at codon 367 is replaced by tryptophan, an amino acid with dissimilar properties. This amino acid position is conserved. In addition, the in silico prediction for this alteration is inconclusive. Based on the available evidence, the clinical significance of this variant remains unclear.